The following is an entry in ClinVar:

ClinVar aggregate classification (germline): Likely benign. Review status: criteria provided, multiple submitters, no conflicts (2 of 4 stars). 4 submissions from 4 submitters: Likely benign (4). Last evaluated 2025-10-10.

Conditions:
Hypercholesterolemia, autosomal dominant, type B (FHCL2). Also called: Familial Hypercholesterolemia Type B; Hyperlipoproteinemia Type IIb; APOB-Related Familial Hypercholesterolemia, Autosomal Dominant; Familial hypercholesterolemia 2; HYPERCHOLESTEROLEMIA, FAMILIAL, DUE TO LIGAND-DEFECTIVE APOLIPOPROTEIN B; APOLIPOPROTEIN B-100, FAMILIAL DEFECTIVE. Identifiers: MedGen C1704417, MONDO:0007751, OMIM 144010.
Familial hypobetalipoproteinemia 1. Also called: Hypobetalipoproteinemia, normotriglyceridemic; Acanthocytosis with hypobetalipoproteinemia; APOB-Related Familial Hypobetalipoproteinemia. Identifiers: MedGen C4551990, MONDO:0014252, OMIM 615558.
Cardiovascular phenotype. Identifiers: MedGen CN230736.
Familial hypercholesterolemia. Also called: Familial hypercholesterolemias; Familial hypercholesterolaemia. Identifiers: MedGen C0020445, MONDO:0005439.

Allele frequency attached by ClinVar (database versions not stated): gnomAD 0.00001; gnomAD exomes 0.00001 and 0.00003; TOPMed 0.00003; ExAC 0.00005; 1000 Genomes Project 30x 0.00016; 1000 Genomes Project 0.00020.
gnomAD v4.1: 23 of 1,614,050 alleles (0.0014%); highest among the groups gnomAD compares: East Asian, 0.0067%; no homozygotes.

Submissions (4):

GENinCode PLC
Classification: Likely benign for Familial hypercholesterolemia. Last evaluated: 2025-10-10. Review status: criteria provided, single submitter. Criteria: ACMG Guidelines, 2015. Collection method: clinical testing. Allele origin: germline.
Comment: This is a synonymous (silent) variant that is not predicted to impact splicing and occurs at a nucleotide which is not highly conserved. This variant has been classified as Likely Benign (BP4, BP7).

Labcorp Genetics (formerly Invitae), Labcorp
Classification: Likely benign for Familial hypobetalipoproteinemia 1; Hypercholesterolemia, autosomal dominant, type B. Last evaluated: 2025-07-06. Review status: criteria provided, single submitter. Criteria: Invitae Variant Classification Sherloc (09022015). Collection method: clinical testing. Allele origin: germline.

CeGaT Center for Human Genetics Tuebingen
Classification: Likely benign. Last evaluated: 2022-08-01. Review status: criteria provided, single submitter. Criteria: CeGaT Center For Human Genetics Tuebingen Variant Classification Criteria Version 2. Collection method: clinical testing. Allele origin: germline. Affected: yes. Observed: 3 variant alleles.
Comment: APOB: BP4, BP7

Ambry Genetics
Classification: Likely benign for Cardiovascular phenotype. Last evaluated: 2020-11-01. Review status: criteria provided, single submitter. Criteria: Ambry Variant Classification Scheme 2023. Collection method: clinical testing. Allele origin: germline.

NM_000384.3(APOB):c.10416C>T (p.Thr3472=)

Gene: APOB (apolipoprotein B; minus strand). Cytogenetic location: 2p24.1.
Variant type: single nucleotide variant.
Coding change: c.10416C>T on transcript NM_000384.3 (MANE Select); coding-DNA position 10416, C replaced by T.
Protein change: p.Thr3472=; no amino-acid change (threonine 3472 retained).
Molecular consequence: synonymous variant.
Genome position (GRCh38, 1-based): chr2:21,006,452, G>A on the plus strand (C>T on the coding strand, the complement: APOB is on the minus strand). VCF-style: chr2-21006452-G-A. GRCh37 (hg19) VCF-style: chr2-21229324-G-A.
Identifiers: ClinVar variation 925137 (VCV000925137.41), dbSNP rs558589282, ClinGen allele CA043488.